The following is an entry in ClinVar:

ClinVar aggregate classification (germline): Uncertain significance (1 of 4 stars; one submission).

gnomAD v4.1: 13 of 1,582,918 alleles (0.00082%); highest among the groups gnomAD compares: Non-Finnish European, 0.00094%; no homozygotes.

Submission:

Ambry Genetics
Classification: Uncertain significance. Last evaluated: 2024-12-12. Review status: criteria provided, single submitter. Criteria: Ambry Variant Classification Scheme 2023. Collection method: clinical testing. Allele origin: germline.
Comment: The p.P689T variant (also known as c.2065C>A), located in coding exon 9 of the WNK2 gene, results from a C to A substitution at nucleotide position 2065. The proline at codon 689 is replaced by threonine, an amino acid with highly similar properties. This amino acid position is conserved. In addition, this alteration is predicted to be tolerated by in silico analysis. Based on the available evidence, the clinical significance of this variant remains unclear.

NM_006648.4(WNK2):c.2065C>A (p.Pro689Thr)

Gene: WNK2 (WNK lysine deficient protein kinase 2; plus strand). Cytogenetic location: 9q22.31.
Variant type: single nucleotide variant.
Coding change: c.2065C>A on transcript NM_006648.4 (MANE Select); coding-DNA position 2065, C replaced by A.
Protein change: p.Pro689Thr; replaces proline 689 with threonine.
Molecular consequence: missense variant.
Genome position (GRCh38, 1-based): chr9:93,256,329, C>A. VCF-style: chr9-93256329-C-A. GRCh37 (hg19) VCF-style: chr9-96018611-C-A.
Other names: c.2065C>A, p.Pro689Thr (NM_001282394.3); short protein forms P689T.
Identifiers: ClinVar variation 3470744 (VCV003470744.2).